The following is an entry in ClinVar:

NM_003072.5(SMARCA4):c.4605C>T (p.Asn1535=)

Gene: SMARCA4 (SWI/SNF related BAF chromatin remodeling complex subunit ATPase 4; plus strand). Cytogenetic location: 19p13.2.
Variant type: single nucleotide variant.
Coding change: c.4605C>T on transcript NM_003072.5 (MANE Select); coding-DNA position 4605, C replaced by T.
Protein change: p.Asn1535=; no amino-acid change (asparagine 1535 retained).
Molecular consequence: synonymous variant. On other transcripts: non-coding transcript variant (1).
Genome position (GRCh38, 1-based): chr19:11,058,859, C>T. VCF-style: chr19-11058859-C-T. GRCh37 (hg19) VCF-style: chr19-11169535-C-T.
Other names: c.4503C>T, p.Asn1501= (NM_001128848.2); c.4701C>T, p.Asn1567= (NM_001128849.3, NM_001387283.1); c.4506C>T, p.Asn1502= (NM_001374457.1, NM_001128847.4); c.4605C>T, p.Asn1535= (NM_001128844.3); c.4515C>T, p.Asn1505= (NM_001128845.2); c.4512C>T, p.Asn1504= (NM_001128846.2).
Identifiers: ClinVar variation 415096 (VCV000415096.46), dbSNP rs746699196, ClinGen allele CA9204806.

ClinVar aggregate classification (germline): Benign/Likely benign. Review status: criteria provided, multiple submitters, no conflicts (2 of 4 stars). 8 submissions from 8 submitters: Benign (2); Likely benign (6). Last evaluated 2026-07-23.

Conditions:
Rhabdoid tumor predisposition syndrome 2 (RTPS2). Identifiers: Orphanet 231108, Orphanet 69077, MedGen C2750074, MONDO:0013224, OMIM 613325.
Hereditary cancer-predisposing syndrome. Also called: Hereditary Cancer Syndrome; Hereditary neoplastic syndrome; Neoplastic Syndromes, Hereditary; Tumor predisposition. Identifiers: Orphanet 140162, MedGen C0027672, MeSH D009386, MONDO:0015356.

Allele frequency attached by ClinVar (database versions not stated): gnomAD 0.00002 and 0.00004; TOPMed 0.00002; ExAC 0.00006; gnomAD exomes 0.00003 and 0.00006.
gnomAD v4.1: 46 of 1,614,048 alleles (0.0028%); highest among the groups gnomAD compares: South Asian, 0.0055%; no homozygotes.

Submissions (8):

Myriad Genetics, Inc.
Classification: Benign for Rhabdoid tumor predisposition syndrome 2. Last evaluated: 2026-07-23. Review status: criteria provided, single submitter. Criteria: Myriad Autosomal Dominant, Autosomal Recessive and X-Linked Classification Criteria (2023). Collection method: clinical testing. Allele origin: unknown.
Comment: This variant is considered benign. This variant is a silent/synonymous amino acid change and it is not expected to impact splicing.

CeGaT Center for Human Genetics Tuebingen
Classification: Likely benign. Last evaluated: 2026-07-01. Review status: criteria provided, single submitter. Criteria: CeGaT Center For Human Genetics Tuebingen Variant Classification Criteria Version 2. Collection method: clinical testing. Allele origin: germline. Affected: yes. Observed: 3 variant alleles.
Comment: SMARCA4: BP4, BP7

Labcorp Genetics (formerly Invitae), Labcorp
Classification: Likely benign for Rhabdoid tumor predisposition syndrome 2. Last evaluated: 2026-02-03. Review status: criteria provided, single submitter. Criteria: Invitae Variant Classification Sherloc (09022015). Collection method: clinical testing. Allele origin: germline.

Quest Diagnostics Nichols Institute San Juan Capistrano
Classification: Benign. Last evaluated: 2025-09-17. Review status: criteria provided, single submitter. Criteria: Quest Diagnostics criteria. Collection method: clinical testing. Allele origin: unknown.

Blueprint Genetics
Classification: Likely benign. Last evaluated: 2024-07-30. Review status: criteria provided, single submitter. Criteria: ACMG Guidelines, 2015. Collection method: clinical testing. Allele origin: germline.

Sema4
Classification: Likely benign for Hereditary cancer-predisposing syndrome. Last evaluated: 2021-11-14. Review status: criteria provided, single submitter. Criteria: Sema4 Curation Guidelines. Collection method: curation. Allele origin: germline.

GeneDx
Classification: Likely benign. Last evaluated: 2018-10-26. Review status: criteria provided, single submitter. Criteria: GeneDx Variant Classification Process June 2021. Collection method: clinical testing. Allele origin: germline. Affected: yes.

Ambry Genetics
Classification: Likely benign for Hereditary cancer-predisposing syndrome. Last evaluated: 2016-03-07. Review status: criteria provided, single submitter. Criteria: Ambry Variant Classification Scheme 2023. Collection method: clinical testing. Allele origin: germline.